The following is an entry in ClinVar:

ClinVar aggregate classification (germline): Uncertain significance (1 of 4 stars; one submission).

Conditions:
Inborn genetic diseases. Identifiers: MedGen C0950123, MeSH D030342.

gnomAD v4.1: 8 of 1,548,506 alleles (0.00052%); highest among the groups gnomAD compares: South Asian, 0.0024%; no homozygotes.

Submission:

Ambry Genetics
Classification: Uncertain significance for Inborn genetic diseases. Last evaluated: 2023-04-18. Review status: criteria provided, single submitter. Criteria: Ambry Variant Classification Scheme 2023. Collection method: clinical testing. Allele origin: germline.
Comment: The p.V340M variant (also known as c.1018G>A), located in coding exon 11 of the ERCC2 gene, results from a G to A substitution at nucleotide position 1018. The valine at codon 340 is replaced by methionine, an amino acid with highly similar properties. This amino acid position is conserved. In addition, this alteration is predicted to be tolerated by in silico analysis. Since supporting evidence is limited at this time, the clinical significance of this alteration remains unclear.

NM_000400.4(ERCC2):c.1018G>A (p.Val340Met)

Gene: ERCC2 (ERCC excision repair 2, TFIIH core complex helicase subunit; minus strand). Cytogenetic location: 19q13.32.
Variant type: single nucleotide variant.
Coding change: c.1018G>A on transcript NM_000400.4 (MANE Select); coding-DNA position 1018, G replaced by A.
Protein change: p.Val340Met; replaces valine 340 with methionine.
Molecular consequence: missense variant.
Genome position (GRCh38, 1-based): chr19:45,363,843, C>T on the plus strand (G>A on the coding strand, the complement: ERCC2 is on the minus strand). VCF-style: chr19-45363843-C-T. GRCh37 (hg19) VCF-style: chr19-45867101-C-T.
Other names: c.946G>A, p.Val316Met (NM_001130867.2); short protein forms V340M, V316M.
Identifiers: ClinVar variation 2562292 (VCV002562292.2), dbSNP rs1421106193, ClinGen allele CA406372741.
Genomic context (GRCh38, chr19:45,363,843, plus strand): 5'-CGCTCAGGAAGGCGGGCGGGCTCTCCTGCACCACATGCTGCACACGCAGCCGCCACTTCA[C>T]GTACTCCAGCAGCCGCCTCAGGAAGCCCAGGAAATGCTCGGCCGTGCGGATGGAGCCAGG-3'
Protein context (NP_000391.1, residues 330-350): LGFLRRLLEY[Val340Met]KWRLRVQHVV